The following is an entry in ClinVar:

NM_000214.3(JAG1):c.1912T>C (p.Cys638Arg)

Gene: JAG1 (jagged canonical Notch ligand 1; minus strand). Cytogenetic location: 20p12.2.
Variant type: single nucleotide variant.
Coding change: c.1912T>C on transcript NM_000214.3 (MANE Select); coding-DNA position 1912, T replaced by C.
Protein change: p.Cys638Arg; replaces cysteine 638 with arginine.
Molecular consequence: missense variant.
Genome position (GRCh38, 1-based): chr20:10,646,058, A>G on the plus strand (T>C on the coding strand, the complement: JAG1 is on the minus strand). VCF-style: chr20-10646058-A-G. GRCh37 (hg19) VCF-style: chr20-10626706-A-G.
Other names: short protein forms C638R.
Identifiers: ClinVar variation 4528330 (VCV004528330.1).

ClinVar aggregate classification (germline): Uncertain significance (1 of 4 stars; one submission).

Conditions:
Alagille syndrome due to a JAG1 point mutation. Also called: HEPATIC DUCTULAR HYPOPLASIA, SYNDROMATIC; Alagille Syndrome 1; JAG1-Related Alagille Syndrome. Identifiers: Orphanet 261619, Orphanet 52, MedGen C1956125, MONDO:0016862, OMIM 118450.

Submission:

Department of Human Genetics, Hannover Medical School
Classification: Uncertain significance for Alagille syndrome due to a JAG1 point mutation. Last evaluated: 2025-02-01. Review status: criteria provided, single submitter. Criteria: ACMG Guidelines, 2015. Collection method: clinical testing. Allele origin: germline. Affected: yes. Observed: 1 variant allele.
Comment: ACMG: Variant is absent from controls (gnomAD v4.1.0) [PM2_supp]; Missense variant in a gene that has a low rate of benign missense variation and in which missense variants are a common mechanism of disease (Missense gnomAD constraint Z-Score JAG1: 5,3) [PP2]; Computational evidence support a deleterious effect on the gene or gene product (REVEL score 0.876) [PP3_mod]